The following is an entry in ClinVar:

NM_007294.4(BRCA1):c.3488C>G (p.Thr1163Ser)

Genes: BRCA1 (BRCA1 DNA repair associated; minus strand), LOC126862571 (BRD4-independent group 4 enhancer GRCh37_chr17:41243136-41244335; plus strand). Cytogenetic location: 17q21.31.
Variant type: single nucleotide variant.
Coding change: c.3488C>G on transcript NM_007294.4 (MANE Select); coding-DNA position 3488, C replaced by G.
Protein change: p.Thr1163Ser; replaces threonine 1163 with serine.
Molecular consequence: missense variant. On other transcripts: intron variant (135).
Genome position (GRCh38, 1-based): chr17:43,092,043, G>C on the plus strand (C>G on the coding strand, the complement: BRCA1 is on the minus strand). VCF-style: chr17-43092043-G-C. GRCh37 (hg19) VCF-style: chr17-41244060-G-C.
Other names: c.3362C>G, p.Thr1121Ser (NM_001407940.1, NM_001407941.1, NM_001407649.1 and 11 more transcripts); c.3347C>G, p.Thr1116Ser (NM_001407942.1, NM_001407944.1, NM_001407692.1 and 29 more transcripts); c.3344C>G, p.Thr1115Ser (NM_001407943.1, NM_001407740.1, NM_001407741.1 and 20 more transcripts); c.785-1011C>G (NM_001407984.1, NM_001408398.1, NM_001407992.1 and 13 more transcripts); c.665-1011C>G (NM_001408443.1, NM_001408439.1, NM_001408425.1 and 12 more transcripts); c.671-1011C>G (NM_001408419.1, NM_001408422.1, NM_001408418.1 and 2 more transcripts); c.788-1011C>G (NM_001408403.1, NM_001407983.1, NM_001407975.1 and 17 more transcripts); c.791-1020C>G (NM_001408406.1); and 41 more; short protein forms T1163S, T1116S, T1036S, T1075S, T1092S, T1096S, T1136S, T1160S.
Identifiers: ClinVar variation 1419542 (VCV001419542.9), dbSNP rs80356918, ClinGen allele CA10594999.

ClinVar aggregate classification (germline): Conflicting classifications of pathogenicity. Review status: criteria provided, conflicting classifications (1 of 4 stars). 2 submissions from 2 submitters: Uncertain significance (1); Likely benign (1). Last evaluated 2023-03-23.

Conditions:
Hereditary cancer-predisposing syndrome. Also called: Neoplastic Syndromes, Hereditary; Hereditary Cancer Syndrome; Hereditary neoplastic syndrome; Tumor predisposition. Identifiers: Orphanet 140162, MedGen C0027672, MeSH D009386, MONDO:0015356.
Hereditary breast ovarian cancer syndrome. Also called: Hereditary breast and/or ovarian cancer syndrome; BRCA1- and BRCA2-Associated Hereditary Breast and Ovarian Cancer; Hereditary breast and ovarian cancer syndrome; Hereditary breast and ovarian cancer; Hereditary breast and ovarian cancer syndrome (HBOC); Breast and ovarian cancer. Identifiers: Orphanet 145, MedGen C0677776, MeSH D061325, MONDO:0003582. Disease mechanism: loss of function.

Allele frequency attached by ClinVar (database versions not stated): gnomAD exomes below 0.00001.
gnomAD v4.1: 2 of 1,614,014 alleles (0.00012%); highest among the groups gnomAD compares: Non-Finnish European, 0.000085%; no homozygotes.

Submissions (2):

University of Washington Department of Laboratory Medicine, University of Washington
Classification: Likely benign for Hereditary cancer-predisposing syndrome. Last evaluated: 2023-03-23. Review status: criteria provided, single submitter. Criteria: Dines et al. (Genet Med. 2020). Collection method: curation. Allele origin: germline.
Comment: Missense variant in a coldspot region where missense variants are very unlikely to be pathogenic (PMID:31911673).

BRCA1 coldspot (exon 11 using historical exon numbering). Reclassification based on statistical prior probability

Labcorp Genetics (formerly Invitae), Labcorp
Classification: Uncertain significance for Hereditary breast ovarian cancer syndrome. Last evaluated: 2022-08-21. Review status: criteria provided, single submitter. Criteria: Invitae Variant Classification Sherloc (09022015). Collection method: clinical testing. Allele origin: germline.
Comment: In summary, the available evidence is currently insufficient to determine the role of this variant in disease. Therefore, it has been classified as a Variant of Uncertain Significance. Advanced modeling of protein sequence and biophysical properties (such as structural, functional, and spatial information, amino acid conservation, physicochemical variation, residue mobility, and thermodynamic stability) performed at Invitae indicates that this missense variant is not expected to disrupt BRCA1 protein function. ClinVar contains an entry for this variant (Variation ID: 1419542). This variant has not been reported in the literature in individuals affected with BRCA1-related conditions. This variant is not present in population databases (gnomAD no frequency). This sequence change replaces threonine, which is neutral and polar, with serine, which is neutral and polar, at codon 1163 of the BRCA1 protein (p.Thr1163Ser).